The following is an entry in ClinVar:

NM_198578.4(LRRK2):c.2821G>T (p.Asp941Tyr)

Gene: LRRK2 (leucine rich repeat kinase 2; plus strand). Cytogenetic location: 12q12.
Variant type: single nucleotide variant.
Coding change: c.2821G>T on transcript NM_198578.4 (MANE Select); coding-DNA position 2821, G replaced by T.
Protein change: p.Asp941Tyr; replaces aspartic acid 941 with tyrosine.
Molecular consequence: missense variant.
Genome position (GRCh38, 1-based): chr12:40,294,857, G>T. VCF-style: chr12-40294857-G-T. GRCh37 (hg19) VCF-style: chr12-40688659-G-T.
Other names: short protein forms D941Y.
Identifiers: ClinVar variation 1427778 (VCV001427778.9), dbSNP rs943421158, ClinGen allele CA235346467.

ClinVar aggregate classification (germline): Uncertain significance. Review status: criteria provided, multiple submitters, no conflicts (2 of 4 stars). 3 submissions from 3 submitters: Uncertain significance (3). Last evaluated 2024-11-18.

Conditions:
Autosomal dominant Parkinson disease 8. Also called: Parkinson disease 8; Parkinson disease 8, susceptibility to; LRRK2-Related Parkinson Disease. Identifiers: Orphanet 411602, MedGen C1846862, MONDO:0011764, OMIM 607060.
Inborn genetic diseases. Identifiers: MedGen C0950123, MeSH D030342.

Allele frequency attached by ClinVar (database versions not stated): gnomAD exomes below 0.00001; TOPMed 0.00001.
gnomAD v4.1: 6 of 1,540,516 alleles (0.00039%); highest among the groups gnomAD compares: Admixed American, 0.0034%; no homozygotes.

Submissions (3):

Labcorp Genetics (formerly Invitae), Labcorp
Classification: Uncertain significance for Autosomal dominant Parkinson disease 8. Last evaluated: 2024-11-18. Review status: criteria provided, single submitter. Criteria: Invitae Variant Classification Sherloc (09022015). Collection method: clinical testing. Allele origin: germline.
Comment: This sequence change replaces aspartic acid, which is acidic and polar, with tyrosine, which is neutral and polar, at codon 941 of the LRRK2 protein (p.Asp941Tyr). This variant is not present in population databases (gnomAD no frequency). This missense change has been observed in individual(s) with Parkinson disease (PMID: 32613234). ClinVar contains an entry for this variant (Variation ID: 1427778). Invitae Evidence Modeling of protein sequence and biophysical properties (such as structural, functional, and spatial information, amino acid conservation, physicochemical variation, residue mobility, and thermodynamic stability) has been performed for this missense variant. However, the output from this modeling did not meet the statistical confidence thresholds required to predict the impact of this variant on LRRK2 protein function. In summary, the available evidence is currently insufficient to determine the role of this variant in disease. Therefore, it has been classified as a Variant of Uncertain Significance.

Ambry Genetics
Classification: Uncertain significance for Inborn genetic diseases. Last evaluated: 2021-08-04. Review status: criteria provided, single submitter. Criteria: Ambry Variant Classification Scheme 2023. Collection method: clinical testing. Allele origin: germline.
Comment: The p.D941Y variant (also known as c.2821G>T), located in coding exon 22 of the LRRK2 gene, results from a G to T substitution at nucleotide position 2821. The aspartic acid at codon 941 is replaced by tyrosine, an amino acid with highly dissimilar properties. This amino acid position is conserved. In addition, the in silico prediction for this alteration is inconclusive. Since supporting evidence is limited at this time, the clinical significance of this alteration remains unclear.

Department of Neurology, Qilu Hospital of Shandong University
Classification: Uncertain significance for Inborn genetic diseases. Last evaluated: 2019-07-01. Review status: criteria provided, single submitter. Criteria: ACMG2015. Collection method: clinical testing. Allele origin: germline. Affected: yes. Observed: 1 variant allele.

Literature cited by the submitters: PubMed 32613234 (cited by Labcorp Genetics (formerly Invitae), Labcorp and Department of Neurology, Qilu Hospital of Shandong University).